The following is an entry in ClinVar:

ClinVar aggregate classification (germline): Uncertain significance (1 of 4 stars; one submission).

Submission:

CeGaT Center for Human Genetics Tuebingen
Classification: Uncertain significance. Last evaluated: 2025-06-01. Review status: criteria provided, single submitter. Criteria: CeGaT Center For Human Genetics Tuebingen Variant Classification Criteria Version 2. Collection method: clinical testing. Allele origin: germline. Affected: yes. Observed: 1 variant allele.
Comment: AARS1: PM2

NM_001605.3(AARS1):c.2693A>G (p.Lys898Arg)

Gene: AARS1 (alanyl-tRNA synthetase 1; minus strand). Cytogenetic location: 16q22.1.
Variant type: single nucleotide variant.
Coding change: c.2693A>G on transcript NM_001605.3 (MANE Select); coding-DNA position 2693, A replaced by G.
Protein change: p.Lys898Arg; replaces lysine 898 with arginine.
Molecular consequence: missense variant.
Genome position (GRCh38, 1-based): chr16:70,253,296, T>C on the plus strand (A>G on the coding strand, the complement: AARS1 is on the minus strand). VCF-style: chr16-70253296-T-C. GRCh37 (hg19) VCF-style: chr16-70287199-T-C.
Other names: short protein forms K898R.
Identifiers: ClinVar variation 4085248 (VCV004085248.8).